The following is an entry in ClinVar:

NM_000350.3(ABCA4):c.1240-14C>T

Gene: ABCA4 (ATP binding cassette subfamily A member 4; minus strand). Cytogenetic location: 1p22.1.
Variant type: single nucleotide variant.
Coding change: c.1240-14C>T on transcript NM_000350.3 (MANE Select); 14 bases into the intron before coding-DNA position 1240, C replaced by T.
Molecular consequence: intron variant.
Genome position (GRCh38, 1-based): chr1:94,078,720, G>A on the plus strand (C>T on the coding strand, the complement: ABCA4 is on the minus strand). VCF-style: chr1-94078720-G-A. GRCh37 (hg19) VCF-style: chr1-94544276-G-A.
Identifiers: ClinVar variation 99037 (VCV000099037.33), dbSNP rs4147830, ClinGen allele CA200670.
Genomic context (GRCh38, chr1:94,078,720, plus strand): 5'-TTGACCAACTTCCTAACGTGTTCCAGTTCTTCAAAAGTTGAGTTGGCCTAAAACCAGACA[G>A]AGATCAAGACAGAGACACGAACAGAGAGAAAAGTGAGAGAGAACTTTTGGTTGTGTCTTT-3'

ClinVar aggregate classification (germline): Benign/Likely benign. Review status: criteria provided, multiple submitters, no conflicts (2 of 4 stars). 16 submissions from 13 submitters: Benign (11); Likely benign (1). 4 of the submissions do not count toward it. Last evaluated 2026-02-14.

Conditions:
ABCA4-related disorder. Also called: ABCA4-related condition; ABCA4-related disorders. Identifiers: MedGen CN239167.
Age related macular degeneration 2. Also called: MACULAR DEGENERATION, SENILE; MACULOPATHY, AGE-RELATED, 2; MACULOPATHY, AGE-RELATED. Identifiers: MedGen C3495438, MONDO:0007932, OMIM 153800.
Cone-rod dystrophy 3 (CORD3). Identifiers: Orphanet 1872, MedGen C1858806, MONDO:0011395, OMIM 604116.
Retinitis pigmentosa 19 (RP19). Also called: ABCA4-Related Retinitis Pigmentosa. Identifiers: Orphanet 791, MedGen C1866422, MONDO:0011137, OMIM 601718.
Severe early-childhood-onset retinal dystrophy (STGD1). Also called: MACULAR DYSTROPHY WITH FLECKS, TYPE 1; STGD; Stargardt disease 1; Stargardt macular dystrophy; Juvenile onset macular degeneration. Identifiers: Orphanet 364055, Orphanet 827, MedGen C1855465, MeSH D000080362, MONDO:0009549, OMIM 248200.

Allele frequency attached by ClinVar (database versions not stated): ESP Exome Variant Server 0.46548; gnomAD 0.47316 and 0.47169; TOPMed 0.47972; gnomAD exomes 0.46366 and 0.48588; 1000 Genomes Project 30x 0.50937; 1000 Genomes Project 0.51478; ExAC 0.48144.
gnomAD v4.1: 733,311 of 1,576,202 alleles (47%); highest among the groups gnomAD compares: East Asian, 58%; 172,216 homozygotes.

Submissions (16):

Women's Health and Genetics/Laboratory Corporation of America, LabCorp
Classification: Benign. Last evaluated: 2026-02-14. Review status: criteria provided, single submitter. Criteria: LabCorp Variant Classification Summary - May 2015. Collection method: clinical testing. Allele origin: germline.

Labcorp Genetics (formerly Invitae), Labcorp
Classification: Benign. Last evaluated: 2026-02-04. Review status: criteria provided, single submitter. Criteria: Invitae Variant Classification Sherloc (09022015). Collection method: clinical testing. Allele origin: germline.

Blueprint Genetics
Classification: Likely benign. Last evaluated: 2024-11-26. Review status: criteria provided, single submitter. Criteria: ACMG Guidelines, 2015. Collection method: clinical testing. Allele origin: germline.

Genome-Nilou Lab
Classification: Benign for Severe early-childhood-onset retinal dystrophy. Last evaluated: 2021-07-14. Review status: criteria provided, single submitter. Criteria: ACMG Guidelines, 2015. Collection method: clinical testing. Allele origin: germline. Affected: no.

Genome-Nilou Lab
Classification: Benign for Retinitis pigmentosa 19. Last evaluated: 2021-07-14. Review status: criteria provided, single submitter. Criteria: ACMG Guidelines, 2015. Collection method: clinical testing. Allele origin: germline. Affected: no.

Genome-Nilou Lab
Classification: Benign for Cone-rod dystrophy 3. Last evaluated: 2021-07-14. Review status: criteria provided, single submitter. Criteria: ACMG Guidelines, 2015. Collection method: clinical testing. Allele origin: germline. Affected: no.

Genome-Nilou Lab
Classification: Benign for Age related macular degeneration 2. Last evaluated: 2021-07-14. Review status: criteria provided, single submitter. Criteria: ACMG Guidelines, 2015. Collection method: clinical testing. Allele origin: germline. Affected: no.

Illumina Laboratory Services, Illumina
Classification: Benign for ABCA4-Related Disorders. Last evaluated: 2017-04-27. Review status: criteria provided, single submitter. Criteria: ICSL Variant Classification Criteria 13 December 2019. Collection method: clinical testing. Allele origin: germline.
Comment: This variant was observed as part of a predisposition screen in an ostensibly healthy population. A literature search was performed for the gene, cDNA change, and amino acid change (where applicable). No publications were found based on this search. Allele frequency data from public databases was too high to be consistent with this variant causing disease. Therefore, this variant is classified as benign.

Eurofins Ntd Llc (ga)
Classification: Benign. Last evaluated: 2014-11-07. Review status: criteria provided, single submitter. Criteria: EGL Classification Definitions 2015. Collection method: clinical testing. Allele origin: germline. Observed: 2 variant alleles, 1 heterozygote, 1 homozygote.

GeneDx
Classification: Benign. Last evaluated: 2011-08-16. Review status: criteria provided, single submitter. Criteria: GeneDx Variant Classification (06012015). Collection method: clinical testing. Allele origin: germline. Affected: yes.
Comment: This variant is considered likely benign or benign based on one or more of the following criteria: it is a conservative change, it occurs at a poorly conserved position in the protein, it is predicted to be benign by multiple in silico algorithms, and/or has population frequency not consistent with disease.

Breakthrough Genomics
Classification: Benign. Review status: criteria provided, single submitter. Criteria: ACMG Guidelines, 2015. Collection method: not provided. Allele origin: germline. Inheritance: Autosomal recessive inheritance. Affected: yes.

PreventionGenetics, part of Exact Sciences
Classification: Benign. Review status: criteria provided, single submitter. Criteria: ACMG Guidelines, 2015. Collection method: clinical testing. Allele origin: germline.

Clinical Genetics DNA and cytogenetics Diagnostics Lab, Erasmus MC, Erasmus Medical Center
Classification: Benign. Review status: no assertion criteria provided. Collection method: clinical testing. Allele origin: germline. Affected: yes. Study: VKGL Data-share Consensus. Not counted in ClinVar's aggregate classification.

Diagnostic Laboratory, Department of Genetics, University Medical Center Groningen
Classification: Benign. Review status: no assertion criteria provided. Collection method: clinical testing. Allele origin: germline. Affected: yes. Study: VKGL Data-share Consensus. Not counted in ClinVar's aggregate classification.

Joint Genome Diagnostic Labs from Nijmegen and Maastricht, Radboudumc and MUMC+
Classification: Benign. Review status: no assertion criteria provided. Collection method: clinical testing. Allele origin: germline. Affected: yes. Study: VKGL Data-share Consensus. Not counted in ClinVar's aggregate classification.

Retina International
No classification provided. Review status: no classification provided. Collection method: not provided. Allele origin: not provided. Not counted in ClinVar's aggregate classification.